The following is an entry in ClinVar:

ClinVar aggregate classification (germline): Conflicting classifications of pathogenicity. Review status: criteria provided, conflicting classifications (1 of 4 stars). 4 submissions from 4 submitters: Likely pathogenic (2); Uncertain significance (2). Last evaluated 2025-06-03.

Conditions:
Familial thoracic aortic aneurysm and aortic dissection (TAAD). Also called: Thoracic aortic aneurysms and dissections. Identifiers: Orphanet 91387, MedGen C4707243, MONDO:0019625.
Loeys-Dietz syndrome 4 (LDS4). Also called: ANEURYSM, AORTIC AND CEREBRAL, WITH ARTERIAL TORTUOSITY AND SKELETAL MANIFESTATIONS; TGFB2-Related Loeys-Dietz Syndrome. Identifiers: MedGen C3553762, MONDO:0013897, OMIM 614816.

Allele frequency attached by ClinVar (database versions not stated): gnomAD exomes below 0.00001.
gnomAD v4.1: 1 of 1,613,470 alleles (0.000062%); highest among the groups gnomAD compares: Non-Finnish European, 0.000085%; no homozygotes.

Submissions (4):

Women's Health and Genetics/Laboratory Corporation of America, LabCorp
Classification: Uncertain significance. Last evaluated: 2025-06-03. Review status: criteria provided, single submitter. Criteria: LabCorp Variant Classification Summary - May 2015. Collection method: clinical testing. Allele origin: germline.
Comment: Variant summary: TGFB2 c.1049G>A (p.Cys350Tyr) results in a non-conservative amino acid change in the encoded protein sequence. Algorithms developed to predict the effect of missense changes on protein structure and function all suggest that this variant is likely to be disruptive. The variant was absent in 250512 control chromosomes. The available data on variant occurrences in the general population are insufficient to allow any conclusion about variant significance. c.1049G>A has been observed in individual(s) with clinical features of TGFB2-related conditions (Internal data). These data do not allow any conclusion about variant significance. To our knowledge, no experimental evidence demonstrating an impact on protein function has been reported. ClinVar contains an entry for this variant (Variation ID: 575477). Based on the evidence outlined above, the variant was classified as uncertain significance.

Ambry Genetics
Classification: Likely pathogenic for Familial thoracic aortic aneurysm and aortic dissection. Last evaluated: 2025-05-16. Review status: criteria provided, single submitter. Criteria: Ambry Variant Classification Scheme 2023. Collection method: clinical testing. Allele origin: germline.
Comment: The p.C350Y variant (also known as c.1049G>A), located in coding exon 6 of the TGFB2 gene, results from a G to A substitution at nucleotide position 1049. The cysteine at codon 350 is replaced by tyrosine, an amino acid with highly dissimilar properties. This variant was reported in individual(s) with features consistent with Loeys-Dietz syndrome (Ambry internal data; external communications). This variant is considered to be rare based on population cohorts in the Genome Aggregation Database (gnomAD). This amino acid position is highly conserved in available vertebrate species. In addition, this alteration is predicted to be deleterious by in silico analysis. Based on the majority of available evidence to date, this variant is likely to be pathogenic.

Labcorp Genetics (formerly Invitae), Labcorp
Classification: Likely pathogenic for Loeys-Dietz syndrome 4. Last evaluated: 2023-11-05. Review status: criteria provided, single submitter. Criteria: Invitae Variant Classification Sherloc (09022015). Collection method: clinical testing. Allele origin: germline.
Comment: This sequence change replaces cysteine, which is neutral and slightly polar, with tyrosine, which is neutral and polar, at codon 350 of the TGFB2 protein (p.Cys350Tyr). This variant is not present in population databases (gnomAD no frequency). This missense change has been observed in individuals with clinical features of TGFB2-related conditions (Invitae; external communication). ClinVar contains an entry for this variant (Variation ID: 575477). Advanced modeling of protein sequence and biophysical properties (such as structural, functional, and spatial information, amino acid conservation, physicochemical variation, residue mobility, and thermodynamic stability) performed at Invitae indicates that this missense variant is expected to disrupt TGFB2 protein function with a positive predictive value of 80%. In summary, the currently available evidence indicates that the variant is pathogenic, but additional data are needed to prove that conclusively. Therefore, this variant has been classified as Likely Pathogenic.

GeneDx
Classification: Uncertain significance. Last evaluated: 2023-07-19. Review status: criteria provided, single submitter. Criteria: GeneDx Variant Classification Process June 2021. Collection method: clinical testing. Allele origin: germline. Affected: yes.
Comment: Has not been previously published as pathogenic or benign to our knowledge; Not observed at significant frequency in large population cohorts (gnomAD); In silico analysis supports that this missense variant has a deleterious effect on protein structure/function

NM_003238.6(TGFB2):c.1049G>A (p.Cys350Tyr)

Gene: TGFB2 (transforming growth factor beta 2; plus strand). Cytogenetic location: 1q41.
Variant type: single nucleotide variant.
Coding change: c.1049G>A on transcript NM_003238.6 (MANE Select); coding-DNA position 1049, G replaced by A.
Protein change: p.Cys350Tyr; replaces cysteine 350 with tyrosine.
Molecular consequence: missense variant. On other transcripts: non-coding transcript variant (2).
Genome position (GRCh38, 1-based): chr1:218,437,459, G>A. VCF-style: chr1-218437459-G-A. GRCh37 (hg19) VCF-style: chr1-218610801-G-A.
Other names: c.1133G>A, p.Cys378Tyr (NM_001135599.4); short protein forms C378Y, C350Y.
Identifiers: ClinVar variation 575477 (VCV000575477.17), dbSNP rs1558264109, ClinGen allele CA344727648.
Genomic context (GRCh38, chr1:218,437,459, plus strand): 5'-TAGGGTGGAAATGGATACACGAACCCAAAGGGTACAATGCCAACTTCTGTGCTGGAGCAT[G>A]CCCGTATTTATGGAGTTCAGACACTCAGCACAGCAGGGTGAGTGTTCAGCTTACCTGTTG-3'
Protein context (NP_003229.1, residues 340-360): GYNANFCAGA[Cys350Tyr]PYLWSSDTQH